The following is an entry in ClinVar:

ClinVar aggregate classification (germline): Uncertain significance. Review status: criteria provided, multiple submitters, no conflicts (2 of 4 stars). 2 submissions from 2 submitters: Uncertain significance (2). Last evaluated 2026-04-30.

Conditions:
Cardiovascular phenotype. Identifiers: MedGen CN230736.

gnomAD v4.1: 7 of 1,614,074 alleles (0.00043%); highest among the groups gnomAD compares: Non-Finnish European, 0.00059%; no homozygotes.

Submissions (2):

Ambry Genetics
Classification: Uncertain significance for Cardiovascular phenotype. Last evaluated: 2026-04-30. Review status: criteria provided, single submitter. Criteria: Ambry Variant Classification Scheme 2023. Collection method: clinical testing. Allele origin: germline.
Comment: The p.D70V variant (also known as c.209A>T), located in coding exon 2 of the MAP2K2 gene, results from an A to T substitution at nucleotide position 209. The aspartic acid at codon 70 is replaced by valine, an amino acid with highly dissimilar properties. This amino acid position is conserved. In addition, the in silico prediction for this alteration is inconclusive. Based on the available evidence, the clinical significance of this variant remains unclear.

GeneDx
Classification: Uncertain significance. Last evaluated: 2024-03-28. Review status: criteria provided, single submitter. Criteria: GeneDx Variant Classification Process June 2021. Collection method: clinical testing. Allele origin: germline. Affected: yes.
Comment: Not observed at significant frequency in large population cohorts (gnomAD); In silico analysis supports that this missense variant has a deleterious effect on protein structure/function; Has not been previously published as pathogenic or benign to our knowledge

NM_030662.4(MAP2K2):c.209A>T (p.Asp70Val)

Gene: MAP2K2 (mitogen-activated protein kinase kinase 2; minus strand). Cytogenetic location: 19p13.3.
Variant type: single nucleotide variant.
Coding change: c.209A>T on transcript NM_030662.4 (MANE Select); coding-DNA position 209, A replaced by T.
Protein change: p.Asp70Val; replaces aspartic acid 70 with valine.
Molecular consequence: missense variant.
Genome position (GRCh38, 1-based): chr19:4,117,513, T>A on the plus strand (A>T on the coding strand, the complement: MAP2K2 is on the minus strand). VCF-style: chr19-4117513-T-A. GRCh37 (hg19) VCF-style: chr19-4117511-T-A.
Other names: short protein forms D70V.
Identifiers: ClinVar variation 3371174 (VCV003371174.2).